The following is an entry in ClinVar:

NM_014251.3(SLC25A13):c.53G>C (p.Arg18Thr)

Gene: SLC25A13 (solute carrier family 25 member 13; minus strand). Cytogenetic location: 7q21.3.
Variant type: single nucleotide variant.
Coding change: c.53G>C on transcript NM_014251.3 (MANE Select); coding-DNA position 53, G replaced by C.
Protein change: p.Arg18Thr; replaces arginine 18 with threonine.
Molecular consequence: missense variant. On other transcripts: non-coding transcript variant (1).
Genome position (GRCh38, 1-based): chr7:96,296,914, C>G on the plus strand (G>C on the coding strand, the complement: SLC25A13 is on the minus strand). VCF-style: chr7-96296914-C-G. GRCh37 (hg19) VCF-style: chr7-95926226-C-G.
Other names: c.53G>C, p.Arg18Thr (NM_001160210.2); short protein forms R18T.
Identifiers: ClinVar variation 2196380 (VCV002196380.4), dbSNP rs2486153387, ClinGen allele CA368407860.

ClinVar aggregate classification (germline): Uncertain significance (1 of 4 stars; one submission).

Conditions:
Citrin deficiency. Identifiers: Orphanet 247582, MedGen C1997910, MONDO:0016602.

Submission:

Labcorp Genetics (formerly Invitae), Labcorp
Classification: Uncertain significance for Citrin deficiency. Last evaluated: 2022-01-15. Review status: criteria provided, single submitter. Criteria: Invitae Variant Classification Sherloc (09022015). Collection method: clinical testing. Allele origin: germline.
Comment: In summary, the available evidence is currently insufficient to determine the role of this variant in disease. Therefore, it has been classified as a Variant of Uncertain Significance. Advanced modeling of protein sequence and biophysical properties (such as structural, functional, and spatial information, amino acid conservation, physicochemical variation, residue mobility, and thermodynamic stability) performed at Invitae indicates that this missense variant is not expected to disrupt SLC25A13 protein function. This variant has not been reported in the literature in individuals affected with SLC25A13-related conditions. This variant is not present in population databases (gnomAD no frequency). This sequence change replaces arginine, which is basic and polar, with threonine, which is neutral and polar, at codon 18 of the SLC25A13 protein (p.Arg18Thr).